The following is an entry in ClinVar:

ClinVar aggregate classification (germline): Likely benign. Review status: criteria provided, multiple submitters, no conflicts (2 of 4 stars). 2 submissions from 2 submitters: Likely benign (2). Last evaluated 2026-01-26.

Conditions:
GLI3-related disorder. Also called: GLI3-related disorders; GLI3-related condition. Identifiers: MedGen CN239292.
Greig cephalopolysyndactyly syndrome (GCPS). Also called: Greig syndrome; GLI3-Related Greig Cephalopolysyndactyly Syndrome; POLYSYNDACTYLY WITH PECULIAR SKULL SHAPE. Identifiers: Orphanet 380, MedGen C0265306, MONDO:0008287, OMIM 175700.
Pallister-Hall syndrome (PHS). Also called: HYPOTHALAMIC HAMARTOBLASTOMA, HYPOPITUITARISM, IMPERFORATE ANUS, AND POSTAXIAL POLYDACTYLY; GLI3-Related Pallister-Hall Syndrome. Identifiers: Orphanet 672, MedGen C0265220, MONDO:0007804, OMIM 146510.

Allele frequency attached by ClinVar (database versions not stated): gnomAD 0.00001; gnomAD exomes 0.00001; TOPMed 0.00002.
gnomAD v4.1: 6 of 1,614,052 alleles (0.00037%); highest among the groups gnomAD compares: Admixed American, 0.0067%; no homozygotes.

Submissions (2):

Labcorp Genetics (formerly Invitae), Labcorp
Classification: Likely benign for Pallister-Hall syndrome; Greig cephalopolysyndactyly syndrome. Last evaluated: 2026-01-26. Review status: criteria provided, single submitter. Criteria: Invitae Variant Classification Sherloc (09022015). Collection method: clinical testing. Allele origin: germline.

PreventionGenetics, part of Exact Sciences
Classification: Likely benign for GLI3-related condition. Last evaluated: 2025-06-16. Review status: criteria provided, single submitter. Criteria: ACMG Guidelines, 2015. Collection method: clinical testing. Allele origin: germline.
Comment: This variant is classified as likely benign based on ACMG/AMP sequence variant interpretation guidelines (Richards et al. 2015 PMID: 25741868, with internal and published modifications).

NM_000168.6(GLI3):c.2328G>A (p.Glu776=)

Gene: GLI3 (GLI family zinc finger 3; minus strand). Cytogenetic location: 7p14.1.
Variant type: single nucleotide variant.
Coding change: c.2328G>A on transcript NM_000168.6 (MANE Select); coding-DNA position 2328, G replaced by A.
Protein change: p.Glu776=; no amino-acid change (glutamic acid 776 retained).
Molecular consequence: synonymous variant.
Genome position (GRCh38, 1-based): chr7:41,967,699, C>T on the plus strand (G>A on the coding strand, the complement: GLI3 is on the minus strand). VCF-style: chr7-41967699-C-T. GRCh37 (hg19) VCF-style: chr7-42007297-C-T.
Other names: c.2328G>A (NM_000168.5).
Identifiers: ClinVar variation 2045892 (VCV002045892.5), dbSNP rs938063110, ClinGen allele CA156909198.